The following is an entry in ClinVar:

ClinVar aggregate classification (germline): Uncertain significance (1 of 4 stars; one submission).

gnomAD v4.1: 24 of 1,584,224 alleles (0.0015%); highest among the groups gnomAD compares: East Asian, 0.0046%; no homozygotes.

Submission:

Labcorp Genetics (formerly Invitae), Labcorp
Classification: Uncertain significance. Last evaluated: 2021-12-15. Review status: criteria provided, single submitter. Criteria: Invitae Variant Classification Sherloc (09022015). Collection method: clinical testing. Allele origin: germline.
Comment: This sequence change replaces arginine, which is basic and polar, with glutamine, which is neutral and polar, at codon 2713 of the SPEG protein (p.Arg2713Gln). The frequency data for this variant in the population databases is considered unreliable, as metrics indicate poor data quality at this position in the gnomAD database. This variant has not been reported in the literature in individuals affected with SPEG-related conditions. Algorithms developed to predict the effect of missense changes on protein structure and function output the following: SIFT: "Tolerated"; PolyPhen-2: "Benign"; Align-GVGD: "Class C0". The glutamine amino acid residue is found in multiple mammalian species, which suggests that this missense change does not adversely affect protein function. In summary, the available evidence is currently insufficient to determine the role of this variant in disease. Therefore, it has been classified as a Variant of Uncertain Significance.

NM_005876.5(SPEG):c.8138G>A (p.Arg2713Gln)

Genes: ASIC4-AS1 (ASIC4 antisense RNA 1; minus strand), SPEG (striated muscle enriched protein kinase; plus strand). Cytogenetic location: 2q35.
Variant type: single nucleotide variant.
Coding change: c.8138G>A on transcript NM_005876.5 (MANE Select); coding-DNA position 8138, G replaced by A.
Protein change: p.Arg2713Gln; replaces arginine 2713 with glutamine.
Molecular consequence: missense variant.
Genome position (GRCh38, 1-based): chr2:219,488,889, G>A. VCF-style: chr2-219488889-G-A. GRCh37 (hg19) VCF-style: chr2-220353611-G-A.
Other names: short protein forms R2713Q.
Identifiers: ClinVar variation 1515279 (VCV001515279.3), dbSNP rs906539466, ClinGen allele CA65996642.